The following is an entry in ClinVar:

NM_018941.4(CLN8):c.160C>A (p.Arg54Ser)

Gene: CLN8 (CLN8 transmembrane ER and ERGIC protein; plus strand). Cytogenetic location: 8p23.3.
Variant type: single nucleotide variant.
Coding change: c.160C>A on transcript NM_018941.4 (MANE Select); coding-DNA position 160, C replaced by A.
Protein change: p.Arg54Ser; replaces arginine 54 with serine.
Molecular consequence: missense variant.
Genome position (GRCh38, 1-based): chr8:1,771,214, C>A. VCF-style: chr8-1771214-C-A. GRCh37 (hg19) VCF-style: chr8-1719380-C-A.
Other names: short protein forms R54S.
Identifiers: ClinVar variation 2140931 (VCV002140931.4), dbSNP rs769069643, ClinGen allele CA369952988.

ClinVar aggregate classification (germline): Uncertain significance (1 of 4 stars; one submission).

Conditions:
Neuronal ceroid lipofuscinosis. Also called: Neuronal Ceroid Lipofuscinoses. Identifiers: Orphanet 216, Orphanet 79263, MedGen C0027877, MONDO:0016295. Disease mechanism: loss of function.

Submission:

Labcorp Genetics (formerly Invitae), Labcorp
Classification: Uncertain significance for Neuronal ceroid lipofuscinosis. Last evaluated: 2022-08-05. Review status: criteria provided, single submitter. Criteria: Invitae Variant Classification Sherloc (09022015). Collection method: clinical testing. Allele origin: germline.
Comment: Algorithms developed to predict the effect of missense changes on protein structure and function are either unavailable or do not agree on the potential impact of this missense change (SIFT: "Deleterious"; PolyPhen-2: "Benign"; Align-GVGD: "Class C0"). In summary, the available evidence is currently insufficient to determine the role of this variant in disease. Therefore, it has been classified as a Variant of Uncertain Significance. This variant has not been reported in the literature in individuals affected with CLN8-related conditions. This variant is not present in population databases (gnomAD no frequency). This sequence change replaces arginine, which is basic and polar, with serine, which is neutral and polar, at codon 54 of the CLN8 protein (p.Arg54Ser).